The following is an entry in ClinVar:

NM_003907.3(EIF2B5):c.1030C>T (p.Arg344Ter)

Gene: EIF2B5 (eukaryotic translation initiation factor 2B subunit epsilon; plus strand). Cytogenetic location: 3q27.1.
Variant type: single nucleotide variant.
Coding change: c.1030C>T on transcript NM_003907.3 (MANE Select); coding-DNA position 1030, C replaced by T.
Protein change: p.Arg344Ter; replaces arginine 344 with a stop codon.
Molecular consequence: nonsense.
Genome position (GRCh38, 1-based): chr3:184,140,604, C>T. VCF-style: chr3-184140604-C-T. GRCh37 (hg19) VCF-style: chr3-183858392-C-T.
Other names: short protein forms R344*.
Identifiers: ClinVar variation 590938 (VCV000590938.7), dbSNP rs1560108537, ClinGen allele CA355385861.

ClinVar aggregate classification (germline): Pathogenic/Likely pathogenic. Review status: criteria provided, multiple submitters, no conflicts (2 of 4 stars). 3 submissions from 3 submitters: Pathogenic (2); Likely pathogenic (1). Last evaluated 2024-06-14.

Conditions:
Leukoencephalopathy with vanishing white matter 5 (VWM5). Also called: EIF2B5-Related Childhood Ataxia with Central Nervous System Hypomyelination/Vanishing White Matter; Leukoencephalopathy with vanishing white matter 5, with or without ovarian failure. Identifiers: MedGen C5779973, MONDO:0957873, OMIM 620315.
Vanishing white matter disease. Also called: CACH syndrome; Childhood ataxia with diffuse central nervous system hypomyelination; Leukoencephalopathy with vanishing white matter; CACH/VWM syndrome; Cree leukoencehalopathy. Identifiers: Orphanet 135, Orphanet 99853, MedGen C1858991, MONDO:0800448.

gnomAD v4.1: 12 of 1,614,146 alleles (0.00074%); highest among the groups gnomAD compares: Middle Eastern, 0.016%; no homozygotes.

Submissions (3):

3billion
Classification: Pathogenic for Leukoencephalopathy with vanishing white matter 5. Last evaluated: 2024-06-14. Review status: criteria provided, single submitter. Criteria: ACMG Guidelines, 2015. Collection method: clinical testing. Allele origin: germline. Affected: yes.
Comment: The variant is observed at an extremely low frequency in the gnomAD v4.0.0 dataset (total allele frequency: <0.001%). Predicted Consequence/Location: Stop-gained (nonsense): predicted to result in a loss or disruption of normal protein function through nonsense-mediated decay (NMD) or protein truncation. Multiple pathogenic variants are reported downstream of the variant. The variant has been reported at least twice as pathogenic without evidence for the classification (ClinVar ID: VCV000590938 /PMID: 25989649). Therefore, this variant is classified as Pathogenic according to the recommendation of ACMG/AMP guideline.

Labcorp Genetics (formerly Invitae), Labcorp
Classification: Pathogenic. Last evaluated: 2023-10-17. Review status: criteria provided, single submitter. Criteria: Invitae Variant Classification Sherloc (09022015). Collection method: clinical testing. Allele origin: germline.
Comment: This sequence change creates a premature translational stop signal (p.Arg344*) in the EIF2B5 gene. It is expected to result in an absent or disrupted protein product. Loss-of-function variants in EIF2B5 are known to be pathogenic (PMID: 11704758, 15060152, 21307862). This variant is not present in population databases (gnomAD no frequency). This premature translational stop signal has been observed in individual(s) with EIF2B5-related conditions (PMID: 25989649). ClinVar contains an entry for this variant (Variation ID: 590938). For these reasons, this variant has been classified as Pathogenic.

Consultorio y Laboratorio de Neurogenética, Hospital JM Ramos Mejia
Classification: Likely pathogenic for Leukoencephalopathy with vanishing white matter 1. Last evaluated: 2018-10-29. Review status: criteria provided, single submitter. Criteria: Submitter's publication. Collection method: research. Allele origin: de novo. Inheritance: Sporadic. Affected: yes.
Comment: The variant identified not been previously reported in public databases. We consider that these variants in compound heterozygosis are probably pathogenic because they are in a critical region and coding for the EIF2B5 gene; The gene has previously been associated with this disease as reported in the OMIM database and PubMed (Sharma et al., 2015; Woody et al., 2015).

Literature cited by the submitters: PubMed 25989649 (cited by 3billion and Labcorp Genetics (formerly Invitae), Labcorp); PubMed 11704758 (cited by Labcorp Genetics (formerly Invitae), Labcorp); PubMed 15060152 (cited by Labcorp Genetics (formerly Invitae), Labcorp); PubMed 21307862 (cited by Labcorp Genetics (formerly Invitae), Labcorp).